The following is an entry in ClinVar:

NM_001042702.5(PJVK):c.162_172del (p.Pro55fs)

Gene: PJVK (pejvakin; plus strand). Cytogenetic location: 2q31.2.
Variant type: Deletion.
Coding change: c.162_172del on transcript NM_001042702.5 (MANE Select); coding-DNA positions 162 to 172, 11 bases deleted (ACCTTTTACAC).
Protein change: p.Pro55fs; shifts the reading frame from proline 55.
Molecular consequence: frameshift variant. On other transcripts: 5 prime UTR variant (2).
Genome position (GRCh38, 1-based): chr2:178,453,571-178,453,581, ACCTTTTACAC deleted; deleting any 11 consecutive bases within chr2:178,453,569-178,453,581 gives the same sequence; the c. name uses the placement nearest the transcript's 3' end. VCF-style (leftmost placement, unchanged base first): chr2-178453568-AACACCTTTTAC-A. GRCh37 (hg19) VCF-style: chr2-179318295-AACACCTTTTAC-A.
Other names: c.171_181del, p.Pro58fs (NM_001353775.2); c.267_277del, p.Pro90fs (NM_001353776.2); c.-316_-306del (NM_001353777.1, NM_001353778.2); c.162_172del, p.Pro55fs (NM_001369912.1); short protein forms P55fs, P58fs, P90fs.
Identifiers: ClinVar variation 560904 (VCV000560904.2), dbSNP rs1559366084, ClinGen allele CA658822871.
Genomic context (GRCh38, chr2:178,453,568, plus strand): 5'-TCTAAGTCTGGTGGTAAAAAAGAAGCGATGCTTTCTGTTTCCTAGATATAAATTTACTTC[AACACCTTTTAC>A]ACTGAAAGATATTCTCCTAGGAGACAGAGAAATTTCAGCTGGTAAGTTTAAATGTTTGGG-3'

ClinVar aggregate classification (germline): Pathogenic/Likely pathogenic. Review status: no assertion criteria provided (0 of 4 stars). 2 submissions from 2 submitters: Pathogenic (1); Likely pathogenic (1). Last evaluated 2018-09-10.

Conditions:
Hearing loss, autosomal recessive. Also called: Rare autosomal recessive non-syndromic sensorineural deafness type DFNB; Nonsyndromic Hearing Loss, Recessive; Deafness, autosomal recessive; Autosomal recessive nonsyndromic deafness. Identifiers: Orphanet 90635, Orphanet 90636, MedGen C1846647, MONDO:0019588, OMIM 607197.
Deafness. Identifiers: MedGen C0011053, HP:0000365.

Submissions (2):

Center for Statistical Genetics, Columbia University
Classification: Pathogenic for Deafness. Last evaluated: 2018-09-10. Review status: no assertion criteria provided. Collection method: research. Allele origin: inherited. Affected: yes.
Comment: Autosomal recessive

University of Washington Center for Mendelian Genomics, University of Washington
Classification: Likely pathogenic for non-syndromic autosomal recessive hearing loss. Review status: no assertion criteria provided. Collection method: research. Allele origin: inherited. Affected: yes.

Literature cited by the submitters: PubMed 30303587 (cited by University of Washington Center for Mendelian Genomics, University of Washington).